The following is an entry in ClinVar:

NM_002230.4(JUP):c.25C>G (p.Gln9Glu)

Gene: JUP (junction plakoglobin; minus strand). Cytogenetic location: 17q21.2.
Variant type: single nucleotide variant.
Coding change: c.25C>G on transcript NM_002230.4 (MANE Select); coding-DNA position 25, C replaced by G.
Protein change: p.Gln9Glu; replaces glutamine 9 with glutamic acid.
Molecular consequence: missense variant.
Genome position (GRCh38, 1-based): chr17:41,771,830, G>C on the plus strand (C>G on the coding strand, the complement: JUP is on the minus strand). VCF-style: chr17-41771830-G-C. GRCh37 (hg19) VCF-style: chr17-39928082-G-C.
Other names: c.25C>G, p.Gln9Glu (NM_001352773.2, NM_001352774.2, NM_001352775.2 and 3 more transcripts); short protein forms Q9E.
Identifiers: ClinVar variation 2945528 (VCV002945528.3), dbSNP rs1555607148, ClinGen allele CA399507315.

ClinVar aggregate classification (germline): Uncertain significance (1 of 4 stars; one submission).

Conditions:
Arrhythmogenic right ventricular dysplasia 12. Also called: ARRHYTHMOGENIC RIGHT VENTRICULAR DYSPLASIA, FAMILIAL, 12. Identifiers: MedGen C1969081, MONDO:0012684, OMIM 611528.
Naxos disease (NXD). Also called: KERATOSIS PALMOPLANTARIS WITH ARRHYTHMOGENIC CARDIOMYOPATHY; MAL DE NAXOS; PALMOPLANTAR KERATODERMA WITH ARRHYTHMOGENIC RIGHT VENTRICULAR CARDIOMYOPATHY AND WOOLLY HAIR; WOOLLY HAIR, PALMOPLANTAR KERATODERMA, AND CARDIAC ABNORMALITIES; CARDIOMYOPATHY, ARRHYTHMOGENIC RIGHT VENTRICULAR, WITH SKIN, HAIR, AND NAIL ABNORMALITIES. Identifiers: Orphanet 34217, MedGen C1832600, MONDO:0011017, OMIM 601214.

Submission:

Labcorp Genetics (formerly Invitae), Labcorp
Classification: Uncertain significance for Arrhythmogenic right ventricular dysplasia 12; Naxos disease. Last evaluated: 2025-05-04. Review status: criteria provided, single submitter. Criteria: Invitae Variant Classification Sherloc (09022015). Collection method: clinical testing. Allele origin: germline.
Comment: This sequence change replaces glutamine, which is neutral and polar, with glutamic acid, which is acidic and polar, at codon 9 of the JUP protein (p.Gln9Glu). This variant is not present in population databases (gnomAD no frequency). This variant has not been reported in the literature in individuals affected with JUP-related conditions. ClinVar contains an entry for this variant (Variation ID: 2945528). An algorithm developed to predict the effect of missense changes on protein structure and function (PolyPhen-2) suggests that this variant is likely to be tolerated. In summary, the available evidence is currently insufficient to determine the role of this variant in disease. Therefore, it has been classified as a Variant of Uncertain Significance.